The following is an entry in ClinVar:

ClinVar aggregate classification (germline): Uncertain significance. Review status: criteria provided, multiple submitters, no conflicts (2 of 4 stars). 3 submissions from 3 submitters: Uncertain significance (3). Last evaluated 2025-08-20.

Conditions:
Inborn genetic diseases. Identifiers: MedGen C0950123, MeSH D030342.
Dalmatian hypouricemia (RHUC1). Identifiers: MedGen C0473219, MONDO:0020728, OMIM 220150.

Allele frequency attached by ClinVar (database versions not stated): gnomAD 0.00003; TOPMed 0.00003; ExAC 0.00004; 1000 Genomes Project 30x 0.00016; gnomAD exomes 0.00018; 1000 Genomes Project 0.00020.
gnomAD v4.1: 275 of 1,612,746 alleles (0.017%); highest among the groups gnomAD compares: Non-Finnish European, 0.022%; no homozygotes.

Submissions (3):

Ambry Genetics
Classification: Uncertain significance for Inborn genetic diseases. Last evaluated: 2025-08-20. Review status: criteria provided, single submitter. Criteria: Ambry Variant Classification Scheme 2023. Collection method: clinical testing. Allele origin: germline.

Fulgent Genetics
Classification: Uncertain significance for Dalmatian hypouricemia. Last evaluated: 2024-02-06. Review status: criteria provided, single submitter. Criteria: ACMG Guidelines, 2015. Collection method: clinical testing. Allele origin: germline.

GeneDx
Classification: Uncertain significance. Last evaluated: 2022-12-06. Review status: criteria provided, single submitter. Criteria: GeneDx Variant Classification Process June 2021. Collection method: clinical testing. Allele origin: germline. Affected: yes.
Comment: In silico analysis supports that this missense variant does not alter protein structure/function; Has not been previously published as pathogenic or benign to our knowledge

NM_144585.4(SLC22A12):c.220G>T (p.Ala74Ser)

Gene: SLC22A12 (solute carrier family 22 member 12; plus strand). Cytogenetic location: 11q13.1.
Variant type: single nucleotide variant.
Coding change: c.220G>T on transcript NM_144585.4 (MANE Select); coding-DNA position 220, G replaced by T.
Protein change: p.Ala74Ser; replaces alanine 74 with serine.
Molecular consequence: missense variant. On other transcripts: 5 prime UTR variant (1).
Genome position (GRCh38, 1-based): chr11:64,591,776, G>T. VCF-style: chr11-64591776-G-T. GRCh37 (hg19) VCF-style: chr11-64359248-G-T.
Other names: c.220G>T, p.Ala74Ser (NM_001276326.2, NM_001276327.2); c.-289G>T (NM_153378.3); c.220G>T (NM_144585.2); short protein forms A74S.
Identifiers: ClinVar variation 1803516 (VCV001803516.5), dbSNP rs200961759, ClinGen allele CA6076998.